The following is an entry in ClinVar:

ClinVar aggregate classification (germline): Uncertain significance (1 of 4 stars; one submission).

Allele frequency attached by ClinVar (database versions not stated): gnomAD exomes below 0.00001.
gnomAD v4.1: 4 of 1,614,028 alleles (0.00025%); highest among the groups gnomAD compares: South Asian, 0.0022%; no homozygotes.

Submission:

GeneDx
Classification: Uncertain significance. Last evaluated: 2021-01-07. Review status: criteria provided, single submitter. Criteria: GeneDx Variant Classification Process June 2021. Collection method: clinical testing. Allele origin: germline. Affected: yes.
Comment: In silico analysis supports that this missense variant does not alter protein structure/function; Has not been previously published as pathogenic or benign to our knowledge; In-silico analysis, which includes splice predictors and evolutionary conservation, is inconclusive as to whether the variant alters gene splicing. In the absence of RNA/functional studies, the actual effect of this sequence change is unknown.

NM_001363711.2(DUOX2):c.104T>C (p.Val35Ala)

Gene: DUOX2 (dual oxidase 2; minus strand). Cytogenetic location: 15q21.1.
Variant type: single nucleotide variant.
Coding change: c.104T>C on transcript NM_001363711.2 (MANE Select); coding-DNA position 104, T replaced by C.
Protein change: p.Val35Ala; replaces valine 35 with alanine.
Molecular consequence: missense variant.
Genome position (GRCh38, 1-based): chr15:45,113,043, A>G on the plus strand (T>C on the coding strand, the complement: DUOX2 is on the minus strand). VCF-style: chr15-45113043-A-G. GRCh37 (hg19) VCF-style: chr15-45405241-A-G.
Other names: c.104T>C, p.Val35Ala (NM_014080.5); short protein forms V35A.
Identifiers: ClinVar variation 1313850 (VCV001313850.2), dbSNP rs1424915202, ClinGen allele CA392280244.
Genomic context (GRCh38, chr15:45,113,043, plus strand): 5'-GCACCAACAGCACCACGCTCGTGGTGCCTCAGGTTGTTAAACCAGCCGTCATAGCGCTGC[A>G]CTTCCCAGGGCAGTGAGAGTGCGTCCTGACTGCCTGTGGGCACAGAGAAGGGCCTCCTCA-3'
Protein context (NP_001350640.1, residues 25-45): SQDALSLPWE[Val35Ala]QRYDGWFNNL